The following is an entry in ClinVar:

ClinVar aggregate classification (germline): Uncertain significance. Review status: criteria provided, multiple submitters, no conflicts (2 of 4 stars). 2 submissions from 2 submitters: Uncertain significance (2). Last evaluated 2024-06-10.

Conditions:
Inborn genetic diseases. Identifiers: MedGen C0950123, MeSH D030342.

Submissions (2):

GeneDx
Classification: Uncertain significance. Last evaluated: 2024-06-10. Review status: criteria provided, single submitter. Criteria: GeneDx Variant Classification Process June 2021. Collection method: clinical testing. Allele origin: germline. Affected: yes.
Comment: In silico analysis indicates that this missense variant does not alter protein structure/function; Not observed at significant frequency in large population cohorts (gnomAD); Has not been previously published as pathogenic or benign to our knowledge

Ambry Genetics
Classification: Uncertain significance for Inborn genetic diseases. Last evaluated: 2022-05-26. Review status: criteria provided, single submitter. Criteria: Ambry Variant Classification Scheme 2023. Collection method: clinical testing. Allele origin: germline.

NM_006922.4(SCN3A):c.1810A>G (p.Ser604Gly)

Gene: SCN3A (sodium voltage-gated channel alpha subunit 3; minus strand). Cytogenetic location: 2q24.3.
Variant type: single nucleotide variant.
Coding change: c.1810A>G on transcript NM_006922.4 (MANE Select); coding-DNA position 1810, A replaced by G.
Protein change: p.Ser604Gly; replaces serine 604 with glycine.
Molecular consequence: missense variant.
Genome position (GRCh38, 1-based): chr2:165,140,860, T>C on the plus strand (A>G on the coding strand, the complement: SCN3A is on the minus strand). VCF-style: chr2-165140860-T-C. GRCh37 (hg19) VCF-style: chr2-165997370-T-C.
Other names: c.1810A>G, p.Ser604Gly (NM_001081676.2, NM_001081677.2); short protein forms S604G.
Identifiers: ClinVar variation 2289808 (VCV002289808.3), dbSNP rs2468324764, ClinGen allele CA349046699.